The following is an entry in ClinVar:

ClinVar aggregate classification (germline): Uncertain significance. Review status: criteria provided, multiple submitters, no conflicts (2 of 4 stars). 2 submissions from 2 submitters: Uncertain significance (2). Last evaluated 2025-02-14.

Conditions:
Joubert syndrome 23 (JBTS23). Identifiers: Orphanet 475, MedGen C4084822, MONDO:0014664, OMIM 616490.
Short-rib thoracic dysplasia 14 with polydactyly (SRTD14). Identifiers: Orphanet 397715, MedGen C4225286, MONDO:0014688, OMIM 616546.
Inborn genetic diseases. Identifiers: MedGen C0950123, MeSH D030342.

Allele frequency attached by ClinVar (database versions not stated): gnomAD 0.00001; gnomAD exomes 0.00005; TOPMed below 0.00001.
gnomAD v4.1: 72 of 1,613,484 alleles (0.0045%); highest among the groups gnomAD compares: Non-Finnish European, 0.0058%; no homozygotes.

Submissions (2):

Ambry Genetics
Classification: Uncertain significance for Inborn genetic diseases. Last evaluated: 2025-02-14. Review status: criteria provided, single submitter. Criteria: Ambry Variant Classification Scheme 2023. Collection method: clinical testing. Allele origin: germline.

Labcorp Genetics (formerly Invitae), Labcorp
Classification: Uncertain significance for Joubert syndrome 23; Short-rib thoracic dysplasia 14 with polydactyly. Last evaluated: 2025-02-03. Review status: criteria provided, single submitter. Criteria: Invitae Variant Classification Sherloc (09022015). Collection method: clinical testing. Allele origin: germline.
Comment: This sequence change replaces valine, which is neutral and non-polar, with isoleucine, which is neutral and non-polar, at codon 827 of the KIAA0586 protein (p.Val827Ile). This variant is present in population databases (no rsID available, gnomAD 0.0009%). This variant has not been reported in the literature in individuals affected with KIAA0586-related conditions. ClinVar contains an entry for this variant (Variation ID: 2052784). Invitae Evidence Modeling of protein sequence and biophysical properties (such as structural, functional, and spatial information, amino acid conservation, physicochemical variation, residue mobility, and thermodynamic stability) indicates that this missense variant is not expected to disrupt KIAA0586 protein function with a negative predictive value of 80%. In summary, the available evidence is currently insufficient to determine the role of this variant in disease. Therefore, it has been classified as a Variant of Uncertain Significance.

NM_001329943.3(KIAA0586):c.2320G>A (p.Val774Ile)

Gene: KIAA0586 (KIAA0586; plus strand). Cytogenetic location: 14q23.1.
Variant type: single nucleotide variant.
Coding change: c.2320G>A on transcript NM_001329943.3 (MANE Select); coding-DNA position 2320, G replaced by A.
Protein change: p.Val774Ile; replaces valine 774 with isoleucine.
Molecular consequence: missense variant.
Genome position (GRCh38, 1-based): chr14:58,467,800, G>A. VCF-style: chr14-58467800-G-A. GRCh37 (hg19) VCF-style: chr14-58934518-G-A.
Other names: c.2092G>A (NM_014749.3); c.2479G>A, p.Val827Ile (NM_001244189.2); c.2275G>A, p.Val759Ile (NM_001244190.2); c.2065G>A, p.Val689Ile (NM_001244191.2, NM_001329945.2, NM_001364700.1 and 1 more transcripts); c.2188G>A, p.Val730Ile (NM_001244192.2); c.1900G>A, p.Val634Ile (NM_001244193.2); c.2320G>A, p.Val774Ile (NM_001329944.2, NM_001329946.2, NM_001329947.2); c.2092G>A, p.Val698Ile (NM_014749.5); short protein forms V689I, V730I, V759I, V774I, V634I, V698I, V827I.
Identifiers: ClinVar variation 2052784 (VCV002052784.3), dbSNP rs1377658072, ClinGen allele CA389875156.